The following is an entry in ClinVar:

NM_001605.3(AARS1):c.1718T>G (p.Val573Gly)

Gene: AARS1 (alanyl-tRNA synthetase 1; minus strand). Cytogenetic location: 16q22.1.
Variant type: single nucleotide variant.
Coding change: c.1718T>G on transcript NM_001605.3 (MANE Select); coding-DNA position 1718, T replaced by G.
Protein change: p.Val573Gly; replaces valine 573 with glycine.
Molecular consequence: missense variant.
Genome position (GRCh38, 1-based): chr16:70,261,111, A>C on the plus strand (T>G on the coding strand, the complement: AARS1 is on the minus strand). VCF-style: chr16-70261111-A-C. GRCh37 (hg19) VCF-style: chr16-70295014-A-C.
Other names: short protein forms V573G.
Identifiers: ClinVar variation 1682206 (VCV001682206.4), dbSNP rs1167508772, ClinGen allele CA396559448.

ClinVar aggregate classification (germline): Uncertain significance (1 of 4 stars; one submission).

Conditions:
Charcot-Marie-Tooth disease type 2. Also called: Charcot-Marie-Tooth type 2. Identifiers: Orphanet 64746, MedGen C0270914, MONDO:0018993.

Allele frequency attached by ClinVar (database versions not stated): TOPMed 0.00001.

Submission:

Labcorp Genetics (formerly Invitae), Labcorp
Classification: Uncertain significance for Charcot-Marie-Tooth disease type 2. Last evaluated: 2024-01-25. Review status: criteria provided, single submitter. Criteria: Invitae Variant Classification Sherloc (09022015). Collection method: clinical testing. Allele origin: germline.
Comment: This sequence change replaces valine, which is neutral and non-polar, with glycine, which is neutral and non-polar, at codon 573 of the AARS protein (p.Val573Gly). This variant is not present in population databases (gnomAD no frequency). This variant has not been reported in the literature in individuals affected with AARS-related conditions. ClinVar contains an entry for this variant (Variation ID: 1682206). Advanced modeling of protein sequence and biophysical properties (such as structural, functional, and spatial information, amino acid conservation, physicochemical variation, residue mobility, and thermodynamic stability) has been performed at Invitae for this missense variant, however the output from this modeling did not meet the statistical confidence thresholds required to predict the impact of this variant on AARS protein function. In summary, the available evidence is currently insufficient to determine the role of this variant in disease. Therefore, it has been classified as a Variant of Uncertain Significance.